The following is an entry in ClinVar:

ClinVar aggregate classification (germline): Uncertain significance (1 of 4 stars; one submission).

Conditions:
Alport syndrome 3b, autosomal recessive. Identifiers: MedGen C5882699, MONDO:0957811, OMIM 620536.

Submission:

3billion
Classification: Uncertain significance for Alport syndrome 3b, autosomal recessive. Last evaluated: 2025-12-16. Review status: criteria provided, single submitter. Criteria: ACMG Guidelines, 2015. Collection method: clinical testing. Allele origin: germline. Affected: yes.
Comment: The variant is not observed in the gnomAD v4.1.0 dataset. Predicted Consequence/Location: Missense variant.This variant disrupts the triple helix domain of COL4A3. The glycine residues within the Gly-Xaa-Yaa repeats of this domain are crucial for the structure and stability of fibrillar collagens. In silico tool predictions suggest damaging effect of the variant on gene or gene product [REVEL: 0.79 (>=0.6, sensitivity 0.68 and specificity 0.92); 3Cnet: 0.90 (> 0.75, sensitivity 0.96 and precision 0.92)]. A different missense change at the same codon (p.Gly1418Arg) has been reported as pathogenic/likely pathogenic with strong evidence (ClinVar ID: VCV003236369). Therefore, this variant is classified as VUS according to the recommendation of ACMG/AMP guideline.

NM_000091.5(COL4A3):c.4253G>A (p.Gly1418Glu)

Genes: COL4A3 (collagen type IV alpha 3 chain; plus strand), MFF-DT (MFF divergent transcript; minus strand). Cytogenetic location: 2q36.3.
Variant type: single nucleotide variant.
Coding change: c.4253G>A on transcript NM_000091.5 (MANE Select); coding-DNA position 4253, G replaced by A.
Protein change: p.Gly1418Glu; replaces glycine 1418 with glutamic acid.
Molecular consequence: missense variant.
Genome position (GRCh38, 1-based): chr2:227,307,710, G>A. VCF-style: chr2-227307710-G-A. GRCh37 (hg19) VCF-style: chr2-228172426-G-A.
Other names: short protein forms G1418E.
Identifiers: ClinVar variation 4855257 (VCV004855257.1).
Genomic context (GRCh38, chr2:227,307,710, plus strand): 5'-TGAAAAAACGAGTTTAAGATTTTTGTGTATGTTGCAACATTTAGAATGTGTTTTTTGAAG[G>A]ACCAGCTGGATCAGATGGATTGCCAGGTTTGAAAGGAAAACGTGGAGACAGTGGATCACC-3'
Protein context (NP_000082.2, residues 1408-1428): KGNKGSKGEP[Gly1418Glu]PAGSDGLPGL